The following is an entry in ClinVar:

ClinVar aggregate classification (germline): Uncertain significance (0 of 4 stars; one submission).

Conditions:
RAB23-related disorder. Also called: RAB23-related condition.

Submission:

PreventionGenetics, part of Exact Sciences
Classification: Uncertain significance for RAB23-related condition. Last evaluated: 2024-09-17. Review status: no assertion criteria provided. Collection method: clinical testing. Allele origin: germline.
Comment: The RAB23 c.575-10A>G variant is predicted to interfere with splicing. To our knowledge, this variant has not been reported in the literature. This variant is reported in 0.0031% of alleles in individuals of European (Non-Finnish) descent in gnomAD. This variant is predicted to cause a splicing defect at the consensus splice site based on a splicing prediction algorithm (SpliceAI, Jaganathan et al. 2019. PubMed ID: 30661751). However, the use of computer prediction programs is not equivalent to functional evidence, therefore the clinical significance of this variant is uncertain.

NM_016277.5(RAB23):c.575-10A>G

Gene: RAB23 (RAB23, member RAS oncogene family; minus strand). Cytogenetic location: 6p12.1.
Variant type: single nucleotide variant.
Coding change: c.575-10A>G on transcript NM_016277.5 (MANE Select); 10 bases into the intron before coding-DNA position 575, A replaced by G.
Molecular consequence: intron variant.
Genome position (GRCh38, 1-based): chr6:57,190,610, T>C on the plus strand (A>G on the coding strand, the complement: RAB23 is on the minus strand). VCF-style: chr6-57190610-T-C. GRCh37 (hg19) VCF-style: chr6-57055408-T-C.
Other names: c.575-10A>G (NM_001278666.2, NM_001278667.2, NM_001278668.2 and 1 more transcripts).
Identifiers: ClinVar variation 3358766 (VCV003358766.1).
Genomic context (GRCh38, chr6:57,190,610, plus strand): 5'-GGGTACCTGAATTCTGACCGGAGTGACTTCCACCAGATGTATTAAAGACACCTGTATAAA[T>C]TGAGGGAAAAGAGTGATTGCCACTGACACGCCTGAGTTACCTGTTGCATCCAGCTTGTTA-3'